The following is an entry in ClinVar:

ClinVar aggregate classification (germline): Likely benign. Review status: criteria provided, multiple submitters, no conflicts (2 of 4 stars). 2 submissions from 2 submitters: Likely benign (2). Last evaluated 2025-05-27.

Allele frequency attached by ClinVar (database versions not stated): gnomAD exomes 0.00001; gnomAD 0.00003; TOPMed 0.00003.

Submissions (2):

Labcorp Genetics (formerly Invitae), Labcorp
Classification: Likely benign. Last evaluated: 2025-05-27. Review status: criteria provided, single submitter. Criteria: Invitae Variant Classification Sherloc (09022015). Collection method: clinical testing. Allele origin: germline.

Mayo Clinic Laboratories, Mayo Clinic
Classification: Likely benign. Last evaluated: 2025-04-08. Review status: criteria provided, single submitter. Criteria: ACMG Guidelines, 2015. Collection method: clinical testing. Allele origin: germline. Observed: 1 variant allele.
Comment: BP4, BP7

NM_025215.6(PUS1):c.262C>T (p.Leu88=)

Gene: PUS1 (pseudouridine synthase 1; plus strand). Cytogenetic location: 12q24.33.
Variant type: single nucleotide variant.
Coding change: c.262C>T on transcript NM_025215.6 (MANE Select); coding-DNA position 262, C replaced by T.
Protein change: p.Leu88=; no amino-acid change (leucine 88 retained).
Molecular consequence: synonymous variant.
Genome position (GRCh38, 1-based): chr12:131,930,094, C>T. VCF-style: chr12-131930094-C-T. GRCh37 (hg19) VCF-style: chr12-132414639-C-T.
Other names: p.Leu88=; c.178C>T, p.Leu60= (NM_001002019.3, NM_001002020.3).
Identifiers: ClinVar variation 751480 (VCV000751480.11), dbSNP rs761763887, ClinGen allele CA6884044.
Genomic context (GRCh38, chr12:131,930,094, plus strand): 5'-AAGCTCAAGAGCGGTGGCGACGAGGAGCGGCGCGAGAAGCCGCCCAAGCGGAAGATCGTG[C>T]TGCTCATGGCCTATTCGGGCAAGGGCTACCACGGCATGCAGGTGTGGCCGCCCGGGAAGC-3'
Protein context (NP_079491.2, residues 78-98): REKPPKRKIV[Leu88=]LMAYSGKGYH